The following is an entry in ClinVar:

NC_000023.10:g.(?_31514885)_(31525590_?)del

Gene: DMD (dystrophin; minus strand). Cytogenetic location: Xp21.1.
Variant type: Deletion.
Identifiers: ClinVar variation 3248310 (VCV003248310.1).

ClinVar aggregate classification (germline): Pathogenic (1 of 4 stars; one submission).

Conditions:
Duchenne muscular dystrophy (DMD). Also called: MUSCULAR DYSTROPHY, PSEUDOHYPERTROPHIC PROGRESSIVE, DUCHENNE TYPE; Duchenne Muscular Dystrophy (DMD). Identifiers: Orphanet 98896, MedGen C0013264, MONDO:0010679, OMIM 310200.

Submission:

Labcorp Genetics (formerly Invitae), Labcorp
Classification: Pathogenic for Duchenne muscular dystrophy. Last evaluated: 2023-04-06. Review status: criteria provided, single submitter. Criteria: Invitae Variant Classification Sherloc (09022015). Collection method: clinical testing. Allele origin: unknown.
Comment: For these reasons, this variant has been classified as Pathogenic. The region of the DMD gene that includes exon(s) 56-57 has been determined to be clinically significant (PMID: 10465346, 28503591). Therefore, deletions that encompass that region are likely to be disease-causing. A similar copy number variant has been observed in individual(s) with Duchenne muscular dystrophy (PMID: 28503591). This variant is a gross deletion of the genomic region encompassing exon(s) 56-57 of the DMD gene. This variant would be expected to be in-frame, preserving the integrity of the reading frame.

Literature cited by the submitters: PubMed 10465346; PubMed 28503591.